The following is an entry in ClinVar:

ClinVar aggregate classification (germline): Uncertain significance (1 of 4 stars; one submission).

Submission:

GeneDx
Classification: Uncertain significance. Last evaluated: 2026-04-21. Review status: criteria provided, single submitter. Criteria: GeneDx Variant Classification Process June 2021. Collection method: clinical testing. Allele origin: germline.
Comment: Not observed at significant frequency in large population cohorts (gnomAD); In silico analysis supports that this missense variant has a deleterious effect on protein structure/function; Has not been previously published as pathogenic or benign to our knowledge

NM_203447.4(DOCK8):c.937A>C (p.Lys313Gln)

Gene: DOCK8 (dedicator of cytokinesis 8; plus strand). Cytogenetic location: 9p24.3.
Variant type: single nucleotide variant.
Coding change: c.937A>C on transcript NM_203447.4 (MANE Select); coding-DNA position 937, A replaced by C.
Protein change: p.Lys313Gln; replaces lysine 313 with glutamine.
Molecular consequence: missense variant.
Genome position (GRCh38, 1-based): chr9:328,064, A>C. VCF-style: chr9-328064-A-C. GRCh37 (hg19) VCF-style: chr9-328064-A-C.
Other names: c.733A>C, p.Lys245Gln (NM_001190458.2, NM_001193536.2); short protein forms K245Q, K313Q.
Identifiers: ClinVar variation 5037538 (VCV005037538.1).